The following is an entry in ClinVar:

NM_003764.4(STX11):c.589G>A (p.Val197Met)

Gene: STX11 (syntaxin 11; plus strand). Cytogenetic location: 6q24.2.
Variant type: single nucleotide variant.
Coding change: c.589G>A on transcript NM_003764.4 (MANE Select); coding-DNA position 589, G replaced by A.
Protein change: p.Val197Met; replaces valine 197 with methionine.
Molecular consequence: missense variant.
Genome position (GRCh38, 1-based): chr6:144,187,216, G>A. VCF-style: chr6-144187216-G-A. GRCh37 (hg19) VCF-style: chr6-144508353-G-A.
Other names: c.589G>A (LRG_113t1); short protein forms V197M.
Identifiers: ClinVar variation 355604 (VCV000355604.53), dbSNP rs141499372, ClinGen allele CA4031738.
Genomic context (GRCh38, chr6:144,187,216, plus strand): 5'-ATCGAGGACATGTTCGAGCAGGGTAAGTGGGACGTGTTTTCCGAGAACTTGCTGGCCGAC[G>A]TGAAGGGCGCGCGGGCCGCCCTCAACGAGATCGAGAGCCGCCACCGCGAACTGCTGCGCC-3'
Protein context (NP_003755.2, residues 187-207): DVFSENLLAD[Val197Met]KGARAALNEI

ClinVar aggregate classification (germline): Conflicting classifications of pathogenicity. Review status: criteria provided, conflicting classifications (1 of 4 stars). 7 submissions from 7 submitters: Uncertain significance (4); Likely benign (2). 1 of the submissions does not count toward it. Last evaluated 2026-01-24.

Conditions:
STX11-related disorder. Also called: STX11-related condition.
Autoinflammatory syndrome. Identifiers: Orphanet 93665, MedGen C3890737, MONDO:0019751.
Familial hemophagocytic lymphohistiocytosis 4 (FHL4). Also called: STX11-Related Familial Hemophagocytic Lymphohistiocytosis (STX11-fHLH). Identifiers: Orphanet 540, MedGen C1863728, MONDO:0011336, OMIM 603552.

Allele frequency attached by ClinVar (database versions not stated): ESP Exome Variant Server 0.00015; TOPMed 0.00028; gnomAD 0.00033 and 0.00040; 1000 Genomes Project 30x 0.00078; 1000 Genomes Project 0.00080.
gnomAD v4.1: 639 of 1,613,968 alleles (0.04%); highest among the groups gnomAD compares: Middle Eastern, 0.5%; 2 homozygotes.

Submissions (7):

Labcorp Genetics (formerly Invitae), Labcorp
Classification: Likely benign for Familial hemophagocytic lymphohistiocytosis 4. Last evaluated: 2026-01-24. Review status: criteria provided, single submitter. Criteria: Invitae Variant Classification Sherloc (09022015). Collection method: clinical testing. Allele origin: germline.

Blueprint Genetics
Classification: Likely benign. Last evaluated: 2024-11-21. Review status: criteria provided, single submitter. Criteria: ACMG Guidelines, 2015. Collection method: clinical testing. Allele origin: germline.

CeGaT Center for Human Genetics Tuebingen
Classification: Uncertain significance. Last evaluated: 2022-02-01. Review status: criteria provided, single submitter. Criteria: CeGaT Center For Human Genetics Tuebingen Variant Classification Criteria Version 2. Collection method: clinical testing. Allele origin: germline. Affected: yes. Observed: 1 variant allele.

Fulgent Genetics
Classification: Uncertain significance for Familial hemophagocytic lymphohistiocytosis 4. Last evaluated: 2018-10-31. Review status: criteria provided, single submitter. Criteria: ACMG Guidelines, 2015. Collection method: clinical testing. Allele origin: unknown.

Illumina Laboratory Services, Illumina
Classification: Uncertain significance for Familial hemophagocytic lymphohistiocytosis 4. Last evaluated: 2018-01-13. Review status: criteria provided, single submitter. Criteria: ICSL Variant Classification Criteria 13 December 2019. Collection method: clinical testing. Allele origin: germline.

Genome Diagnostics Laboratory, The Hospital for Sick Children
Classification: Uncertain significance for Autoinflammatory syndrome. Last evaluated: 2016-12-12. Review status: criteria provided, single submitter. Criteria: ACMG Guidelines, 2015. Collection method: clinical testing. Allele origin: germline. Affected: yes.

PreventionGenetics, part of Exact Sciences
Classification: Likely benign for STX11-related condition. Last evaluated: 2023-08-01. Review status: no assertion criteria provided. Collection method: clinical testing. Allele origin: germline. Not counted in ClinVar's aggregate classification.
Comment: This variant is classified as likely benign based on ACMG/AMP sequence variant interpretation guidelines (Richards et al. 2015 PMID: 25741868, with internal and published modifications).